The following is an entry in ClinVar:

NM_018062.4(FANCL):c.1118G>C (p.Arg373Thr)

Genes: FANCL (FA complementation group L; minus strand), VRK2 (VRK serine/threonine kinase 2; plus strand). Cytogenetic location: 2p16.1.
Variant type: single nucleotide variant.
Coding change: c.1118G>C on transcript NM_018062.4 (MANE Select); coding-DNA position 1118, G replaced by C.
Protein change: p.Arg373Thr; replaces arginine 373 with threonine.
Molecular consequence: missense variant. On other transcripts: 3 prime UTR variant (9).
Genome position (GRCh38, 1-based): chr2:58,159,775, C>G on the plus strand (G>C on the coding strand, the complement: FANCL is on the minus strand). VCF-style: chr2-58159775-C-G. GRCh37 (hg19) VCF-style: chr2-58386910-C-G.
Other names: c.1133G>C, p.Arg378Thr (NM_001114636.2); c.1163G>C, p.Arg388Thr (NM_001374615.1); c.1178G>C, p.Arg393Thr (NM_001410792.1); c.*82C>G (NM_001130480.2, NM_001130481.2, NM_001130482.2 and 4 more transcripts); c.*467C>G (NM_001130483.2, NM_001288838.2); short protein forms R378T, R373T, R388T, R393T.
Identifiers: ClinVar variation 2065032 (VCV002065032.1), dbSNP rs754861669, ClinGen allele CA1670291.

ClinVar aggregate classification (germline): Uncertain significance (1 of 4 stars; one submission).

Conditions:
Fanconi anemia (FA). Also called: Fanconi's anemia. Identifiers: Orphanet 84, MedGen C0015625, MeSH D005199, MONDO:0019391.

Allele frequency attached by ClinVar (database versions not stated): ExAC 0.00001; gnomAD exomes 0.00001; TOPMed 0.00001; gnomAD 0.00002.
gnomAD v4.1: 21 of 1,612,866 alleles (0.0013%); highest among the groups gnomAD compares: African/African-American, 0.0027%; no homozygotes.

Submission:

Labcorp Genetics (formerly Invitae), Labcorp
Classification: Uncertain significance for Fanconi anemia. Last evaluated: 2022-08-16. Review status: criteria provided, single submitter. Criteria: Invitae Variant Classification Sherloc (09022015). Collection method: clinical testing. Allele origin: germline.
Comment: This sequence change replaces arginine, which is basic and polar, with threonine, which is neutral and polar, at codon 373 of the FANCL protein (p.Arg373Thr). This variant is present in population databases (rs754861669, gnomAD 0.004%). This variant has not been reported in the literature in individuals affected with FANCL-related conditions. Algorithms developed to predict the effect of missense changes on protein structure and function (SIFT, PolyPhen-2, Align-GVGD) all suggest that this variant is likely to be tolerated. In summary, the available evidence is currently insufficient to determine the role of this variant in disease. Therefore, it has been classified as a Variant of Uncertain Significance.